The following is an entry in ClinVar:

ClinVar aggregate classification (germline): Pathogenic (1 of 4 stars; one submission).

Conditions:
Severe myoclonic epilepsy in infancy (DRVT). Also called: Epileptic encephalopathy, early infantile, 6 (Dravet syndrome); SEVERE MYOCLONIC EPILEPSY OF INFANCY; DEVELOPMENTAL AND EPILEPTIC ENCEPHALOPATHY 6A; Dravet syndrome; Severe Myoclonic Epilepsy in Infancy (SMEI). Identifiers: Orphanet 33069, MedGen C0751122, MONDO:0100135, OMIM 607208.

Submission:

Department of Medical Genetics, National Institute of Health
Classification: Pathogenic for Severe myoclonic epilepsy in infancy. Review status: criteria provided, single submitter. Criteria: ACMG Guidelines, 2015. Collection method: clinical testing. Allele origin: unknown. Inheritance: Autosomal dominant inheritance. Affected: yes. Observed: 1 hemizygote.
Comment: It's classified as Likeley pathogenic according to the ACMG guidelines answering the PVS1 and PM2 criteria. This variant has not been previously reported and was not found in 138 Moroccan Clinical Exomes on our house database. Hence, it is associated with the condition of our patient and must be classified as pathogenic.

NM_001165963.4(SCN1A):c.965-2A>G

Gene: SCN1A (sodium voltage-gated channel alpha subunit 1; minus strand). Cytogenetic location: 2q24.3.
Variant type: single nucleotide variant.
Coding change: c.965-2A>G on transcript NM_001165963.4 (MANE Select); the canonical splice acceptor site of the intron before coding-DNA position 965, A replaced by G.
Molecular consequence: splice acceptor variant.
Genome position (GRCh38, 1-based): chr2:166,048,951, T>C on the plus strand (A>G on the coding strand, the complement: SCN1A is on the minus strand). VCF-style: chr2-166048951-T-C. GRCh37 (hg19) VCF-style: chr2-166905461-T-C.
Other names: c.965-2A>G (NM_001353949.2, NM_001353958.2, NM_001353950.2 and 10 more transcripts); c.-1461-2A>G (NM_001353961.2).
Identifiers: ClinVar variation 2573194 (VCV002573194.2), dbSNP rs2468200648, ClinGen allele CA349071831.
Genomic context (GRCh38, chr2:166,048,951, plus strand): 5'-ATCAGAGCTATTTCCACATAGTAGTGCATCTAAAAAACCCTCCAGGAAATAATGATATCC[T>C]GTTTGAAAAAAGAAAGTCGTATGATGAACATTTGCATTGTTAAAAACACTCAAATGAGAA-3'